The following is an entry in ClinVar:

NM_000540.3(RYR1):c.5232C>G (p.Ile1744Met)

Gene: RYR1 (ryanodine receptor 1; plus strand). Cytogenetic location: 19q13.2.
Variant type: single nucleotide variant.
Coding change: c.5232C>G on transcript NM_000540.3 (MANE Select); coding-DNA position 5232, C replaced by G.
Protein change: p.Ile1744Met; replaces isoleucine 1744 with methionine.
Molecular consequence: missense variant.
Genome position (GRCh38, 1-based): chr19:38,485,887, C>G. VCF-style: chr19-38485887-C-G. GRCh37 (hg19) VCF-style: chr19-38976527-C-G.
Other names: c.5232C>G, p.Ile1744Met (NM_001042723.2); short protein forms I1744M.
Identifiers: ClinVar variation 3074725 (VCV003074725.1), dbSNP rs1969262855, ClinGen allele CA405654249.
Genomic context (GRCh38, chr19:38,485,887, plus strand): 5'-CAGCCGCCGCTCCATGCTCTCTGAATACATCGTGCCCCTCACGCCTGAGACCCGCGCCAT[C>G]ACGCTCTTCCCTCCTGGAAGGAGCACAGAAAATGGTCACCCCCGGCATGGCCTGCCGGGA-3'
Protein context (NP_000531.2, residues 1734-1754): IVPLTPETRA[Ile1744Met]TLFPPGRSTE

ClinVar aggregate classification (germline): Uncertain significance (1 of 4 stars; one submission).

Conditions:
Malignant hyperthermia, susceptibility to, 1 (MHS1). Also called: Anesthesia related hyperthermia; Malignant hyperpyrexia; Fulminating hyperpyrexia; Pharmacogenic myopathy; RYR1-Related Malignant Hyperthermia Susceptibility; Malignant hyperthermia suceptibility 1. Identifiers: Orphanet 423, MedGen C2930980, MONDO:0007783, OMIM 145600.

Allele frequency attached by ClinVar (database versions not stated): TOPMed below 0.00001; gnomAD 0.00001.
gnomAD v4.1: 2 of 1,613,596 alleles (0.00012%); highest among the groups gnomAD compares: Non-Finnish European, 0.00017%; no homozygotes.

Submission:

All of Us Research Program, National Institutes of Health
Classification: Uncertain significance for Malignant hyperthermia, susceptibility to, 1. Last evaluated: 2023-12-13. Review status: criteria provided, single submitter. Criteria: ACMG Guidelines, 2015. Collection method: clinical testing. Allele origin: germline. Inheritance: Autosomal dominant inheritance. Observed: 1 variant allele, 1 heterozygote.
Comment: This missense variant replaces isoleucine with methionine at codon 1744 of the RYR1 protein. Computational prediction suggests that this variant may not impact protein structure and function (internally defined REVEL score threshold <= 0.5, PMID: 27666373). To our knowledge, functional studies have not been reported for this variant. This variant has not been reported in individuals affected with RYR1-related disorders in the literature. This variant has not been identified in the general population by the Genome Aggregation Database (gnomAD). The available evidence is insufficient to determine the role of this variant in disease conclusively. Therefore, this variant is classified as a Variant of Uncertain Significance.

This study involves interpretation of variants in research participants for the purpose of population health screening. Participant phenotype was not available at the time of variant classification. Additional details can be found in publication PMID: 35346344, PMCID: PMC8962531